The following is an entry in ClinVar:

NM_001035.3(RYR2):c.10524A>T (p.Ile3508=)

Gene: RYR2 (ryanodine receptor 2; plus strand). Cytogenetic location: 1q43.
Variant type: single nucleotide variant.
Coding change: c.10524A>T on transcript NM_001035.3 (MANE Select); coding-DNA position 10524, A replaced by T.
Protein change: p.Ile3508=; no amino-acid change (isoleucine 3508 retained).
Molecular consequence: synonymous variant.
Genome position (GRCh38, 1-based): chr1:237,718,491, A>T. VCF-style: chr1-237718491-A-T. GRCh37 (hg19) VCF-style: chr1-237881791-A-T.
Other names: c.10524A>T (NM_001035.2).
Identifiers: ClinVar variation 806405 (VCV000806405.26), dbSNP rs770094996, ClinGen allele CA39800885.

ClinVar aggregate classification (germline): Likely benign. Review status: criteria provided, multiple submitters, no conflicts (2 of 4 stars). 4 submissions from 4 submitters: Likely benign (4). Last evaluated 2025-04-01.

Conditions:
Cardiomyopathy (CMYO). Also called: Cardiomyopathies. Identifiers: Orphanet 167848, MedGen C0878544, MONDO:0004994, HP:0001638. Inheritance: Various modes of inheritance.
Catecholaminergic polymorphic ventricular tachycardia 1. Also called: VENTRICULAR TACHYCARDIA, CATECHOLAMINERGIC POLYMORPHIC, 1, WITH OR WITHOUT ATRIAL DYSFUNCTION AND/OR DILATED CARDIOMYOPATHY; VENTRICULAR TACHYCARDIA, STRESS-INDUCED POLYMORPHIC 1; RYR2-Related Catecholaminergic Polymorphic Ventricular Tachycardia. Identifiers: Orphanet 3286, MedGen C1631597, MONDO:0011484, OMIM 604772.
Cardiovascular phenotype. Identifiers: MedGen CN230736.
Catecholaminergic polymorphic ventricular tachycardia (CVPT). Also called: Catecholamine-induced polymorphic ventricular tachycardia. Identifiers: Orphanet 3286, MedGen C5574922, MONDO:0017990.

Allele frequency attached by ClinVar (database versions not stated): gnomAD exomes below 0.00001 and 0.00001; gnomAD 0.00001; TOPMed 0.00001.
gnomAD v4.1: 19 of 1,596,582 alleles (0.0012%); highest among the groups gnomAD compares: Non-Finnish European, 0.0015%; no homozygotes.

Submissions (4):

Labcorp Genetics (formerly Invitae), Labcorp
Classification: Likely benign for Catecholaminergic polymorphic ventricular tachycardia 1. Last evaluated: 2025-04-01. Review status: criteria provided, single submitter. Criteria: Invitae Variant Classification Sherloc (09022015). Collection method: clinical testing. Allele origin: germline.

All of Us Research Program, National Institutes of Health
Classification: Likely benign for Catecholaminergic polymorphic ventricular tachycardia. Last evaluated: 2023-11-20. Review status: criteria provided, single submitter. Criteria: ACMG Guidelines, 2015. Collection method: clinical testing. Allele origin: germline. Inheritance: Autosomal dominant inheritance. Observed: 4 variant alleles, 4 heterozygotes.
Comment: This study involves interpretation of variants in research participants for the purpose of population health screening. Participant phenotype was not available at the time of variant classification. Additional details can be found in publication PMID: 35346344, PMCID: PMC8962531

Ambry Genetics
Classification: Likely benign for Cardiovascular phenotype. Last evaluated: 2020-02-02. Review status: criteria provided, single submitter. Criteria: Ambry Variant Classification Scheme 2023. Collection method: clinical testing. Allele origin: germline.

Color Diagnostics, LLC DBA Color Health
Classification: Likely benign for Cardiomyopathy. Last evaluated: 2019-05-14. Review status: criteria provided, single submitter. Criteria: ACMG Guidelines, 2015. Collection method: clinical testing. Allele origin: germline.